The following is an entry in ClinVar:

NM_201384.3(PLEC):c.11043C>T (p.Ser3681=)

Gene: PLEC (plectin; minus strand). Cytogenetic location: 8q24.3.
Variant type: single nucleotide variant.
Coding change: c.11043C>T on transcript NM_201384.3 (MANE Select); coding-DNA position 11043, C replaced by T.
Protein change: p.Ser3681=; no amino-acid change (serine 3681 retained).
Molecular consequence: synonymous variant.
Genome position (GRCh38, 1-based): chr8:143,918,778, G>A on the plus strand (C>T on the coding strand, the complement: PLEC is on the minus strand). VCF-style: chr8-143918778-G-A. GRCh37 (hg19) VCF-style: chr8-144992946-G-A.
Other names: p.Ser3708=; c.11124C>T, p.Ser3708= (NM_000445.5); c.11001C>T, p.Ser3667= (NM_201378.4); c.10977C>T, p.Ser3659= (NM_201379.3); c.11454C>T, p.Ser3818= (NM_201380.4); c.10947C>T, p.Ser3649= (NM_201381.3); c.11043C>T, p.Ser3681= (NM_201382.4); c.11055C>T, p.Ser3685= (NM_201383.3).
Identifiers: ClinVar variation 539059 (VCV000539059.14), dbSNP rs372793843, ClinGen allele CA4924450.

ClinVar aggregate classification (germline): Likely benign. Review status: criteria provided, multiple submitters, no conflicts (2 of 4 stars). 3 submissions from 3 submitters: Likely benign (3). Last evaluated 2025-10-02.

Conditions:
Epidermolysis bullosa simplex 5B, with muscular dystrophy (EBS5B). Also called: Epidermolysis bullosa simplex with muscular dystrophy; EPIDERMOLYSIS BULLOSA SIMPLEX AND LIMB-GIRDLE MUSCULAR DYSTROPHY. Identifiers: Orphanet 257, MedGen C2931072, MONDO:0009181, OMIM 226670.
Autosomal recessive limb-girdle muscular dystrophy type 2Q (LGMDR17). Also called: MUSCULAR DYSTROPHY, LIMB-GIRDLE, AUTOSOMAL RECESSIVE 17. Identifiers: Orphanet 254361, MedGen C3150989, MONDO:0013390, OMIM 613723.
Epidermolysis bullosa simplex, Ogna type (EBS5A). Also called: Pidermolysis bullosa simplex 5A, Ogna type; EPIDERMOLYSIS BULLOSA SIMPLEX 5A, OGNA TYPE. Identifiers: Orphanet 79401, MedGen C0432317, MONDO:0007555, OMIM 131950.
Epidermolysis bullosa simplex 5C, with pyloric atresia (EBS5C). Also called: PLEC-Related Epidermolysis Bullosa with Pyloric Atresia; Epidermolysis bullosa simplex with pyloric atresia; PLEC1-Related Epidermolysis Bullosa with Pyloric Atresia. Identifiers: Orphanet 158684, MedGen C2677349, MONDO:0012807, OMIM 612138.
Epidermolysis bullosa simplex with nail dystrophy (EBS5D). Identifiers: MedGen C4225309, MONDO:0014661, OMIM 616487.

Allele frequency attached by ClinVar (database versions not stated): gnomAD exomes 0.00004 and 0.00006; TOPMed 0.00006; ExAC 0.00007; gnomAD 0.00007 and 0.00008; ESP Exome Variant Server 0.00008; 1000 Genomes Project 30x 0.00016; 1000 Genomes Project 0.00020.
gnomAD v4.1: 82 of 1,613,122 alleles (0.0051%); highest among the groups gnomAD compares: African/African-American, 0.019%; no homozygotes.

Submissions (3):

Labcorp Genetics (formerly Invitae), Labcorp
Classification: Likely benign for Autosomal recessive limb-girdle muscular dystrophy type 2Q; Epidermolysis bullosa simplex, Ogna type; Epidermolysis bullosa simplex with nail dystrophy; Epidermolysis bullosa simplex 5C, with pyloric atresia; Epidermolysis bullosa simplex 5B, with muscular dystrophy. Last evaluated: 2025-10-02. Review status: criteria provided, single submitter. Criteria: Invitae Variant Classification Sherloc (09022015). Collection method: clinical testing. Allele origin: germline.

Mayo Clinic Laboratories, Mayo Clinic
Classification: Likely benign. Last evaluated: 2025-05-23. Review status: criteria provided, single submitter. Criteria: ACMG Guidelines, 2015. Collection method: clinical testing. Allele origin: germline. Observed: 1 variant allele.
Comment: BP4, BP7

Blueprint Genetics
Classification: Likely benign. Last evaluated: 2024-07-18. Review status: criteria provided, single submitter. Criteria: ACMG Guidelines, 2015. Collection method: clinical testing. Allele origin: germline.